The following is an entry in ClinVar:

ClinVar aggregate classification (germline): Uncertain significance (1 of 4 stars; one submission).

Conditions:
Epidermolysis bullosa simplex with nail dystrophy (EBS5D). Identifiers: MedGen C4225309, MONDO:0014661, OMIM 616487.
Epidermolysis bullosa simplex, Ogna type (EBS5A). Also called: Pidermolysis bullosa simplex 5A, Ogna type; EPIDERMOLYSIS BULLOSA SIMPLEX 5A, OGNA TYPE. Identifiers: Orphanet 79401, MedGen C0432317, MONDO:0007555, OMIM 131950.
Autosomal recessive limb-girdle muscular dystrophy type 2Q (LGMDR17). Also called: MUSCULAR DYSTROPHY, LIMB-GIRDLE, AUTOSOMAL RECESSIVE 17. Identifiers: Orphanet 254361, MedGen C3150989, MONDO:0013390, OMIM 613723.
Epidermolysis bullosa simplex 5B, with muscular dystrophy (EBS5B). Also called: EPIDERMOLYSIS BULLOSA SIMPLEX AND LIMB-GIRDLE MUSCULAR DYSTROPHY; Epidermolysis bullosa simplex with muscular dystrophy. Identifiers: Orphanet 257, MedGen C2931072, MONDO:0009181, OMIM 226670.
Epidermolysis bullosa simplex 5C, with pyloric atresia (EBS5C). Also called: PLEC-Related Epidermolysis Bullosa with Pyloric Atresia; Epidermolysis bullosa simplex with pyloric atresia; PLEC1-Related Epidermolysis Bullosa with Pyloric Atresia. Identifiers: Orphanet 158684, MedGen C2677349, MONDO:0012807, OMIM 612138.

gnomAD v4.1: 3 of 1,604,284 alleles (0.00019%); highest among the groups gnomAD compares: Non-Finnish European, 0.00025%; no homozygotes.

Submission:

Labcorp Genetics (formerly Invitae), Labcorp
Classification: Uncertain significance for Autosomal recessive limb-girdle muscular dystrophy type 2Q; Epidermolysis bullosa simplex, Ogna type; Epidermolysis bullosa simplex with nail dystrophy; Epidermolysis bullosa simplex 5C, with pyloric atresia; Epidermolysis bullosa simplex 5B, with muscular dystrophy. Last evaluated: 2024-10-23. Review status: criteria provided, single submitter. Criteria: Invitae Variant Classification Sherloc (09022015). Collection method: clinical testing. Allele origin: germline.
Comment: This sequence change replaces serine, which is neutral and polar, with glycine, which is neutral and non-polar, at codon 91 of the PLEC protein (p.Ser91Gly). The frequency data for this variant in the population databases is considered unreliable, as metrics indicate poor data quality at this position in the gnomAD database. This variant has not been reported in the literature in individuals affected with PLEC-related conditions. Experimental studies and prediction algorithms are not available or were not evaluated, and the functional significance of this variant is currently unknown. In summary, the available evidence is currently insufficient to determine the role of this variant in disease. Therefore, it has been classified as a Variant of Uncertain Significance.

NM_201384.3(PLEC):c.190A>G (p.Ser64Gly)

Gene: PLEC (plectin; minus strand). Cytogenetic location: 8q24.3.
Variant type: single nucleotide variant.
Coding change: c.190A>G on transcript NM_201384.3 (MANE Select); coding-DNA position 190, A replaced by G.
Protein change: p.Ser64Gly; replaces serine 64 with glycine.
Molecular consequence: missense variant.
Genome position (GRCh38, 1-based): chr8:143,938,225, T>C on the plus strand (A>G on the coding strand, the complement: PLEC is on the minus strand). VCF-style: chr8-143938225-T-C. GRCh37 (hg19) VCF-style: chr8-145012393-T-C.
Other names: c.271A>G, p.Ser91Gly (NM_000445.5, NM_001410941.1); c.148A>G, p.Ser50Gly (NM_201378.4); c.124A>G, p.Ser42Gly (NM_201379.3); c.601A>G, p.Ser201Gly (NM_201380.4); c.94A>G, p.Ser32Gly (NM_201381.3); c.190A>G, p.Ser64Gly (NM_201382.4); c.202A>G, p.Ser68Gly (NM_201383.3); short protein forms S201G, S32G, S42G, S50G, S64G, S68G, S91G.
Identifiers: ClinVar variation 3753303 (VCV003753303.2).